The following is an entry in ClinVar:

ClinVar aggregate classification (germline): Uncertain significance. Review status: criteria provided, multiple submitters, no conflicts (2 of 4 stars). 2 submissions from 2 submitters: Uncertain significance (2). Last evaluated 2023-05-05.

Conditions:
Inborn genetic diseases. Identifiers: MedGen C0950123, MeSH D030342.
Propionic acidemia (PROP). Also called: GLYCINEMIA, KETOTIC; HYPERGLYCINEMIA WITH KETOACIDOSIS AND LEUKOPENIA; KETOTIC HYPERGLYCINEMIA. Identifiers: Orphanet 35, MedGen C0268579, MONDO:0011628, OMIM 606054, HP:0003571.

Allele frequency attached by ClinVar (database versions not stated): TOPMed 0.00004; gnomAD 0.00007; ESP Exome Variant Server 0.00008; 1000 Genomes Project 30x 0.00031; ExAC 0.00033; 1000 Genomes Project 0.00040.
gnomAD v4.1: 29 of 1,525,538 alleles (0.0019%); highest among the groups gnomAD compares: African/African-American, 0.017%; no homozygotes.

Submissions (2):

Ambry Genetics
Classification: Uncertain significance for Inborn genetic diseases. Last evaluated: 2023-05-05. Review status: criteria provided, single submitter. Criteria: Ambry Variant Classification Scheme 2023. Collection method: clinical testing. Allele origin: germline.

Labcorp Genetics (formerly Invitae), Labcorp
Classification: Uncertain significance for Propionic acidemia. Last evaluated: 2022-07-19. Review status: criteria provided, single submitter. Criteria: Invitae Variant Classification Sherloc (09022015). Collection method: clinical testing. Allele origin: germline.
Comment: This sequence change replaces alanine, which is neutral and non-polar, with valine, which is neutral and non-polar, at codon 3 of the PCCB protein (p.Ala3Val). The frequency data for this variant in the population databases is considered unreliable, as metrics indicate poor data quality at this position in the gnomAD database. This variant has not been reported in the literature in individuals affected with PCCB-related conditions. ClinVar contains an entry for this variant (Variation ID: 1403866). Advanced modeling of protein sequence and biophysical properties (such as structural, functional, and spatial information, amino acid conservation, physicochemical variation, residue mobility, and thermodynamic stability) performed at Invitae indicates that this missense variant is not expected to disrupt PCCB protein function. In summary, the available evidence is currently insufficient to determine the role of this variant in disease. Therefore, it has been classified as a Variant of Uncertain Significance.

NM_000532.5(PCCB):c.8C>T (p.Ala3Val)

Gene: PCCB (propionyl-CoA carboxylase subunit beta; plus strand). Cytogenetic location: 3q22.3.
Variant type: single nucleotide variant.
Coding change: c.8C>T on transcript NM_000532.5 (MANE Select); coding-DNA position 8, C replaced by T.
Protein change: p.Ala3Val; replaces alanine 3 with valine.
Molecular consequence: missense variant.
Genome position (GRCh38, 1-based): chr3:136,250,383, C>T. VCF-style: chr3-136250383-C-T. GRCh37 (hg19) VCF-style: chr3-135969225-C-T.
Other names: c.8C>T, p.Ala3Val (NM_001178014.2); c.8C>T (NM_000532.4); short protein forms A3V.
Identifiers: ClinVar variation 1403866 (VCV001403866.4), dbSNP rs373685372, ClinGen allele CA2631542.